The following is an entry in ClinVar:

NM_184234.3(RBM39):c.1352T>G (p.Ile451Ser)

Gene: RBM39 (RNA binding motif protein 39; minus strand). Cytogenetic location: 20q11.22.
Variant type: single nucleotide variant.
Coding change: c.1352T>G on transcript NM_184234.3 (MANE Select); coding-DNA position 1352, T replaced by G.
Protein change: p.Ile451Ser; replaces isoleucine 451 with serine.
Molecular consequence: missense variant. On other transcripts: non-coding transcript variant (3).
Genome position (GRCh38, 1-based): chr20:35,705,286, A>C on the plus strand (T>G on the coding strand, the complement: RBM39 is on the minus strand). VCF-style: chr20-35705286-A-C. GRCh37 (hg19) VCF-style: chr20-34293208-A-C.
Other names: c.1286T>G, p.Ile429Ser (NM_001242599.2); c.1268T>G, p.Ile423Ser (NM_001242600.2); c.1256T>G, p.Ile419Ser (NM_001323422.2); c.881T>G, p.Ile294Ser (NM_001323423.2); c.1349T>G, p.Ile450Ser (NM_001323424.2); c.1334T>G, p.Ile445Ser (NM_004902.4); short protein forms I423S, I429S, I445S, I294S, I450S, I451S, I419S.
Identifiers: ClinVar variation 5002274 (VCV005002274.1).

ClinVar aggregate classification (germline): Uncertain significance (1 of 4 stars; one submission).

Conditions:
RBM39-related condition.

Submission:

PreventionGenetics, part of Exact Sciences
Classification: Uncertain significance for RBM39-related condition. Last evaluated: 2025-01-15. Review status: criteria provided, single submitter. Criteria: ACMG Guidelines, 2015. Collection method: clinical testing. Allele origin: germline.
Comment: The RBM39 c.1352T>G variant is predicted to result in the amino acid substitution p.Ile451Ser. To our knowledge, this variant has not been reported in the literature or in a large population database (gnomAD), indicating this variant is rare. At this time, the clinical significance of this variant is uncertain due to the absence of conclusive functional and genetic evidence.